The following is an entry in ClinVar:

NM_148919.4(PSMB8):c.147+1G>T

Gene: PSMB8 (proteasome 20S subunit beta 8; minus strand). Cytogenetic location: 6p21.32.
Variant type: single nucleotide variant.
Coding change: c.147+1G>T on transcript NM_148919.4 (MANE Select); the canonical splice donor site of the intron after coding-DNA position 147, G replaced by T.
Molecular consequence: splice donor variant. On other transcripts: intron variant (1).
Genome position (GRCh38, 1-based): chr6:32,843,849, C>A on the plus strand (G>T on the coding strand, the complement: PSMB8 is on the minus strand). VCF-style: chr6-32843849-C-A. GRCh37 (hg19) VCF-style: chr6-32811626-C-A.
Other names: c.135+430G>T (NM_004159.5).
Identifiers: ClinVar variation 4797186 (VCV004797186.1).

ClinVar aggregate classification (germline): Likely pathogenic (1 of 4 stars; one submission).

Conditions:
Proteosome-associated autoinflammatory syndrome. Also called: Proteasome-associated autoinflammatory syndrome. Identifiers: Orphanet 324977, MedGen C1850568, MONDO:0009726.

Submission:

Labcorp Genetics (formerly Invitae), Labcorp
Classification: Likely pathogenic for Proteosome-associated autoinflammatory syndrome. Last evaluated: 2025-11-03. Review status: criteria provided, single submitter. Criteria: Invitae Variant Classification Sherloc (09022015). Collection method: clinical testing. Allele origin: germline.
Comment: This sequence change affects a donor splice site in intron 1 of the PSMB8 gene. It is expected to disrupt RNA splicing. Variants that disrupt the donor or acceptor splice site typically lead to a loss of protein function (PMID: 16199547), and loss-of-function variants in PSMB8 are known to be pathogenic (PMID: 26524591). The frequency data for this variant in the population databases is considered unreliable, as metrics indicate poor data quality at this position in the gnomAD database. This variant has not been reported in the literature in individuals affected with PSMB8-related conditions. Algorithms developed to predict the effect of sequence changes on RNA splicing suggest that this variant may disrupt the consensus splice site. In summary, the currently available evidence indicates that the variant is pathogenic, but additional data are needed to prove that conclusively. Therefore, this variant has been classified as Likely Pathogenic.

Literature cited by the submitters: PubMed 16199547; PubMed 26524591.